The following is an entry in ClinVar:

NM_001846.4(COL4A2):c.3699G>A (p.Glu1233=)

Gene: COL4A2 (collagen type IV alpha 2 chain; plus strand). Cytogenetic location: 13q34.
Variant type: single nucleotide variant.
Coding change: c.3699G>A on transcript NM_001846.4 (MANE Select); coding-DNA position 3699, G replaced by A.
Protein change: p.Glu1233=; no amino-acid change (glutamic acid 1233 retained).
Molecular consequence: synonymous variant.
Genome position (GRCh38, 1-based): chr13:110,495,406, G>A. VCF-style: chr13-110495406-G-A. GRCh37 (hg19) VCF-style: chr13-111147753-G-A.
Identifiers: ClinVar variation 2643954 (VCV002643954.28), dbSNP rs1883424889, ClinGen allele CA484796513.

ClinVar aggregate classification (germline): Likely benign. Review status: criteria provided, multiple submitters, no conflicts (2 of 4 stars). 3 submissions from 3 submitters: Likely benign (3). Last evaluated 2024-07-16.

gnomAD v4.1: 3 of 1,614,110 alleles (0.00019%); highest among the groups gnomAD compares: Non-Finnish European, 0.00025%; no homozygotes.

Submissions (3):

Blueprint Genetics
Classification: Likely benign. Last evaluated: 2024-07-16. Review status: criteria provided, single submitter. Criteria: ACMG Guidelines, 2015. Collection method: clinical testing. Allele origin: germline.

Labcorp Genetics (formerly Invitae), Labcorp
Classification: Likely benign. Last evaluated: 2024-05-29. Review status: criteria provided, single submitter. Criteria: Invitae Variant Classification Sherloc (09022015). Collection method: clinical testing. Allele origin: germline.

CeGaT Center for Human Genetics Tuebingen
Classification: Likely benign. Last evaluated: 2022-04-01. Review status: criteria provided, single submitter. Criteria: CeGaT Center For Human Genetics Tuebingen Variant Classification Criteria Version 2. Collection method: clinical testing. Allele origin: germline. Affected: yes. Observed: 1 variant allele.
Comment: COL4A2: PM2:Supporting, BP4, BP7